The following is an entry in ClinVar:

NM_002107.7(H3-3A):c.143C>T (p.Ala48Val)

Gene: H3-3A (H3.3 histone A; plus strand). Cytogenetic location: 1q42.12.
Variant type: single nucleotide variant.
Coding change: c.143C>T on transcript NM_002107.7 (MANE Select); coding-DNA position 143, C replaced by T.
Protein change: p.Ala48Val; replaces alanine 48 with valine.
Molecular consequence: missense variant.
Genome position (GRCh38, 1-based): chr1:226,065,670, C>T. VCF-style: chr1-226065670-C-T. GRCh37 (hg19) VCF-style: chr1-226253371-C-T.
Other names: c.143C>T, p.Ala48Val (NM_001379043.1, NM_001379045.1, NM_001379046.1 and 1 more transcripts); c.143C>T (NM_002107.4); short protein forms A48V.
Identifiers: ClinVar variation 1335016 (VCV001335016.36), dbSNP rs2102736970, ClinGen allele CA345016553.
Genomic context (GRCh38, chr1:226,065,670, plus strand): 5'-TGCTAGTTATGTTTTTGGTAACAGTTTCTTTATTAATTTTTTAAAGGCCTGGTACTGTGG[C>T]GCTCCGTGAAATTAGACGTTATCAGAAGTCCACTGAACTTCTGATTCGCAAACTTCCCTT-3'
Protein context (NP_002098.1, residues 38-58): KPHRYRPGTV[Ala48Val]LREIRRYQKS

ClinVar aggregate classification (germline): Uncertain significance. Review status: criteria provided, multiple submitters, no conflicts (2 of 4 stars). 2 submissions from 2 submitters: Uncertain significance (2). Last evaluated 2023-11-30.

Submissions (2):

Ambry Genetics
Classification: Uncertain significance. Last evaluated: 2023-11-30. Review status: criteria provided, single submitter. Criteria: Ambry Variant Classification Scheme 2023. Collection method: clinical testing. Allele origin: germline.
Comment: The c.143C>T (p.A48V) alteration is located in exon 3 (coding exon 2) of the H3F3A gene. This alteration results from a C to T substitution at nucleotide position 143, causing the alanine (A) at amino acid position 48 to be replaced by a valine (V). This variant was not reported in population-based cohorts in the Genome Aggregation Database (gnomAD). This alteration was reported de novo in an individual from a cohort of patients with autism spectrum disorder and/or developmental delay (Fu, 2022). This amino acid position is highly conserved in available vertebrate species. This alteration is predicted to be deleterious by in silico analysis. Based on insufficient or conflicting evidence, the clinical significance of this alteration remains unclear.

CeGaT Center for Human Genetics Tuebingen
Classification: Uncertain significance. Last evaluated: 2021-12-01. Review status: criteria provided, single submitter. Criteria: CeGaT Center For Human Genetics Tuebingen Variant Classification Criteria Version 2. Collection method: clinical testing. Allele origin: germline. Affected: yes. Observed: 1 variant allele.

Literature cited by the submitters: PubMed 35982160 (cited by Ambry Genetics).